The following is an entry in ClinVar:

ClinVar aggregate classification (germline): Uncertain significance. Review status: criteria provided, multiple submitters, no conflicts (2 of 4 stars). 3 submissions from 3 submitters: Uncertain significance (3). Last evaluated 2024-05-07.

Conditions:
Hyperuricemia, pulmonary hypertension, renal failure, alkalosis syndrome (HUPRAS). Also called: HYPERURICEMIA, PULMONARY HYPERTENSION, RENAL FAILURE, AND ALKALOSIS SYNDROME; HUPRA SYNDROME. Identifiers: Orphanet 363694, MedGen C3151209, MONDO:0013458, OMIM 613845.

gnomAD v4.1: 5 of 1,614,082 alleles (0.00031%); highest among the groups gnomAD compares: African/African-American, 0.0013%; no homozygotes.

Submissions (3):

Fulgent Genetics
Classification: Uncertain significance for Hyperuricemia, pulmonary hypertension, renal failure, alkalosis syndrome. Last evaluated: 2024-05-07. Review status: criteria provided, single submitter. Criteria: ACMG Guidelines, 2015. Collection method: clinical testing. Allele origin: germline.

GeneDx
Classification: Uncertain significance. Last evaluated: 2022-10-14. Review status: criteria provided, single submitter. Criteria: GeneDx Variant Classification Process June 2021. Collection method: clinical testing. Allele origin: germline. Affected: yes.
Comment: Not observed at significant frequency in large population cohorts (gnomAD); In silico analysis supports that this missense variant has a deleterious effect on protein structure/function; Has not been previously published as pathogenic or benign to our knowledge

Labcorp Genetics (formerly Invitae), Labcorp
Classification: Uncertain significance. Last evaluated: 2022-08-19. Review status: criteria provided, single submitter. Criteria: Invitae Variant Classification Sherloc (09022015). Collection method: clinical testing. Allele origin: germline.
Comment: This sequence change replaces arginine, which is basic and polar, with glycine, which is neutral and non-polar, at codon 143 of the SARS2 protein (p.Arg143Gly). This variant is present in population databases (no rsID available, gnomAD 0.004%). This variant has not been reported in the literature in individuals affected with SARS2-related conditions. Algorithms developed to predict the effect of missense changes on protein structure and function are either unavailable or do not agree on the potential impact of this missense change (SIFT: "Deleterious"; PolyPhen-2: "Benign"; Align-GVGD: "Class C0"). In summary, the available evidence is currently insufficient to determine the role of this variant in disease. Therefore, it has been classified as a Variant of Uncertain Significance.

NM_017827.4(SARS2):c.427C>G (p.Arg143Gly)

Gene: SARS2 (seryl-tRNA synthetase 2, mitochondrial; minus strand). Cytogenetic location: 19q13.2.
Variant type: single nucleotide variant.
Coding change: c.427C>G on transcript NM_017827.4 (MANE Select); coding-DNA position 427, C replaced by G.
Protein change: p.Arg143Gly; replaces arginine 143 with glycine.
Molecular consequence: missense variant. On other transcripts: intron variant (1).
Genome position (GRCh38, 1-based): chr19:38,921,634, G>C on the plus strand (C>G on the coding strand, the complement: SARS2 is on the minus strand). VCF-style: chr19-38921634-G-C. GRCh37 (hg19) VCF-style: chr19-39412274-G-C.
Other names: c.427C>G (NM_017827.3); c.471-38C>G (NM_001145901.2); short protein forms R143G.
Identifiers: ClinVar variation 1964275 (VCV001964275.7), dbSNP rs947932141, ClinGen allele CA308145073.